The following is an entry in ClinVar:

NM_000551.4(VHL):c.212C>T (p.Pro71Leu)

Gene: VHL (von Hippel-Lindau tumor suppressor; plus strand). Cytogenetic location: 3p25.3.
Variant type: single nucleotide variant.
Coding change: c.212C>T on transcript NM_000551.4 (MANE Select); coding-DNA position 212, C replaced by T.
Protein change: p.Pro71Leu; replaces proline 71 with leucine.
Molecular consequence: missense variant.
Genome position (GRCh38, 1-based): chr3:10,142,059, C>T. VCF-style: chr3-10142059-C-T. GRCh37 (hg19) VCF-style: chr3-10183743-C-T.
Other names: c.212C>T, p.Pro71Leu (NM_001354723.2, NM_198156.3); short protein forms P71L.
Identifiers: ClinVar variation 1311412 (VCV001311412.2), dbSNP rs2125125002, ClinGen allele CA351749021.

ClinVar aggregate classification (germline): Uncertain significance (1 of 4 stars; one submission).

gnomAD v4.1: 1 of 1,607,006 alleles (0.000062%); highest among the groups gnomAD compares: Non-Finnish European, 0.000085%; no homozygotes.

Submission:

GeneDx
Classification: Uncertain significance. Last evaluated: 2019-12-16. Review status: criteria provided, single submitter. Criteria: GeneDx Variant Classification Process June 2021. Collection method: clinical testing. Allele origin: germline. Affected: yes.
Comment: Not observed in large population cohorts (Lek 2016); In silico analysis, which includes protein predictors and evolutionary conservation, supports a deleterious effect; Has not been previously published as pathogenic or benign to our knowledge